The following is an entry in ClinVar:

ClinVar aggregate classification (germline): Conflicting classifications of pathogenicity. Review status: criteria provided, conflicting classifications (1 of 4 stars). 4 submissions from 4 submitters: Uncertain significance (3); Likely benign (1). Last evaluated 2025-08-29.

Conditions:
Neurofibromatosis, type 1 (NF1). Also called: VON RECKLINGHAUSEN DISEASE; NEUROFIBROMATOSIS, TYPE I, SOMATIC; Peripheral type neurofibromatosis; Neurofibromatosis, type I. Identifiers: Orphanet 636, MedGen C0027831, MONDO:0018975, OMIM 162200. Disease mechanism: loss of function.
Cardiovascular phenotype. Identifiers: MedGen CN230736.
Hereditary cancer-predisposing syndrome. Also called: Neoplastic Syndromes, Hereditary; Hereditary neoplastic syndrome; Hereditary Cancer Syndrome; Tumor predisposition. Identifiers: Orphanet 140162, MedGen C0027672, MeSH D009386, MONDO:0015356.
Juvenile myelomonocytic leukemia (JMML). Also called: LEUKEMIA, JUVENILE MYELOMONOCYTIC, SOMATIC. Identifiers: Orphanet 86834, MedGen C0349639, MONDO:0011908, OMIM 607785, HP:0012209.

Allele frequency attached by ClinVar (database versions not stated): gnomAD exomes below 0.00001; TOPMed below 0.00001.
gnomAD v4.1: 6 of 1,611,078 alleles (0.00037%); highest among the groups gnomAD compares: African/African-American, 0.0027%; no homozygotes.

Submissions (4):

Labcorp Genetics (formerly Invitae), Labcorp
Classification: Uncertain significance for Neurofibromatosis, type 1. Last evaluated: 2025-08-29. Review status: criteria provided, single submitter. Criteria: Invitae Variant Classification Sherloc (09022015). Collection method: clinical testing. Allele origin: germline.
Comment: This sequence change replaces alanine, which is neutral and non-polar, with threonine, which is neutral and polar, at codon 1057 of the NF1 protein (p.Ala1057Thr). This variant is present in population databases (no rsID available, gnomAD 0.007%). This variant has not been reported in the literature in individuals affected with NF1-related conditions. ClinVar contains an entry for this variant (Variation ID: 656225). Invitae Evidence Modeling of protein sequence and biophysical properties (such as structural, functional, and spatial information, amino acid conservation, physicochemical variation, residue mobility, and thermodynamic stability) indicates that this missense variant is not expected to disrupt NF1 protein function with a negative predictive value of 95%. In summary, the available evidence is currently insufficient to determine the role of this variant in disease. Therefore, it has been classified as a Variant of Uncertain Significance.

Baylor Genetics
Classification: Uncertain significance for Juvenile myelomonocytic leukemia. Last evaluated: 2023-08-02. Review status: criteria provided, single submitter. Criteria: ACMG Guidelines, 2015. Collection method: clinical testing. Allele origin: unknown.

GeneDx
Classification: Uncertain significance. Last evaluated: 2022-03-25. Review status: criteria provided, single submitter. Criteria: GeneDx Variant Classification Process June 2021. Collection method: clinical testing. Allele origin: germline. Affected: yes.
Comment: In silico analysis supports that this missense variant does not alter protein structure/function; Has not been previously published as pathogenic or benign to our knowledge; This variant is associated with the following publications: (PMID: 25486365, 2121369)

Ambry Genetics
Classification: Likely benign for Cardiovascular phenotype; Hereditary cancer-predisposing syndrome. Last evaluated: 2018-11-28. Review status: criteria provided, single submitter. Criteria: Ambry Variant Classification Scheme 2023. Collection method: clinical testing. Allele origin: germline.

NM_001042492.3(NF1):c.3169G>A (p.Ala1057Thr)

Gene: NF1 (neurofibromin 1; plus strand). Cytogenetic location: 17q11.2.
Variant type: single nucleotide variant.
Coding change: c.3169G>A on transcript NM_001042492.3 (MANE Select); coding-DNA position 3169, G replaced by A.
Protein change: p.Ala1057Thr; replaces alanine 1057 with threonine.
Molecular consequence: missense variant.
Genome position (GRCh38, 1-based): chr17:31,230,897, G>A. VCF-style: chr17-31230897-G-A. GRCh37 (hg19) VCF-style: chr17-29557915-G-A.
Other names: c.3169G>A, p.Ala1057Thr (NM_000267.4); short protein forms A1057T.
Identifiers: ClinVar variation 656225 (VCV000656225.15), dbSNP rs1367746167, ClinGen allele CA398988135.